The following is an entry in ClinVar:

NM_000755.5(CRAT):c.1699G>A (p.Gly567Arg)

Gene: CRAT (carnitine O-acetyltransferase; minus strand). Cytogenetic location: 9q34.11.
Variant type: single nucleotide variant.
Coding change: c.1699G>A on transcript NM_000755.5 (MANE Select); coding-DNA position 1699, G replaced by A.
Protein change: p.Gly567Arg; replaces glycine 567 with arginine.
Molecular consequence: missense variant.
Genome position (GRCh38, 1-based): chr9:129,095,579, C>T on the plus strand (G>A on the coding strand, the complement: CRAT is on the minus strand). VCF-style: chr9-129095579-C-T. GRCh37 (hg19) VCF-style: chr9-131857858-C-T.
Other names: c.1636G>A, p.Gly546Arg (NM_001257363.3, NM_004003.4); c.1702G>A, p.Gly568Arg (NM_001346546.2); c.1627G>A, p.Gly543Arg (NM_001346547.2); c.1564G>A, p.Gly522Arg (NM_001346548.2); c.1579G>A, p.Gly527Arg (NM_001346549.2); short protein forms G522R, G527R, G567R, G543R, G546R, G568R.
Identifiers: ClinVar variation 1519454 (VCV001519454.6), dbSNP rs773745630, ClinGen allele CA5275272.

ClinVar aggregate classification (germline): Uncertain significance (1 of 4 stars; one submission).

Allele frequency attached by ClinVar (database versions not stated): gnomAD exomes below 0.00001; ExAC 0.00001; TOPMed 0.00002; gnomAD 0.00003 and 0.00004.
gnomAD v4.1: 22 of 1,613,058 alleles (0.0014%); highest among the groups gnomAD compares: East Asian, 0.0045%; no homozygotes.

Submission:

Labcorp Genetics (formerly Invitae), Labcorp
Classification: Uncertain significance. Last evaluated: 2021-12-28. Review status: criteria provided, single submitter. Criteria: Invitae Variant Classification Sherloc (09022015). Collection method: clinical testing. Allele origin: germline.
Comment: In summary, the available evidence is currently insufficient to determine the role of this variant in disease. Therefore, it has been classified as a Variant of Uncertain Significance. Algorithms developed to predict the effect of sequence changes on RNA splicing suggest that this variant may create or strengthen a splice site. Algorithms developed to predict the effect of missense changes on protein structure and function are either unavailable or do not agree on the potential impact of this missense change (SIFT: "Deleterious"; PolyPhen-2: "Probably Damaging"; Align-GVGD: "Class C0"). This variant has not been reported in the literature in individuals affected with CRAT-related conditions. This variant is present in population databases (rs773745630, gnomAD 0.004%). This sequence change replaces glycine, which is neutral and non-polar, with arginine, which is basic and polar, at codon 567 of the CRAT protein (p.Gly567Arg).